The following is an entry in ClinVar:

NM_007289.4(MME):c.1094+1G>A

Gene: MME (membrane metalloendopeptidase; plus strand). Cytogenetic location: 3q25.2.
Variant type: single nucleotide variant.
Coding change: c.1094+1G>A on transcript NM_007289.4 (MANE Select); the canonical splice donor site of the intron after coding-DNA position 1094, G replaced by A.
Molecular consequence: splice donor variant.
Genome position (GRCh38, 1-based): chr3:155,142,128, G>A. VCF-style: chr3-155142128-G-A. GRCh37 (hg19) VCF-style: chr3-154859917-G-A.
Other names: c.1094+1G>A (NM_001354642.2, NM_000902.5, NM_007287.4 and 2 more transcripts).
Identifiers: ClinVar variation 1930569 (VCV001930569.5), dbSNP rs2473073824, ClinGen allele CA355130020.

ClinVar aggregate classification (germline): Likely pathogenic (1 of 4 stars; one submission).

Submission:

Labcorp Genetics (formerly Invitae), Labcorp
Classification: Likely pathogenic. Last evaluated: 2022-10-03. Review status: criteria provided, single submitter. Criteria: Invitae Variant Classification Sherloc (09022015). Collection method: clinical testing. Allele origin: germline.
Comment: In summary, the currently available evidence indicates that the variant is pathogenic, but additional data are needed to prove that conclusively. Therefore, this variant has been classified as Likely Pathogenic. Algorithms developed to predict the effect of sequence changes on RNA splicing suggest that this variant may disrupt the consensus splice site. This variant has not been reported in the literature in individuals affected with MME-related conditions. This variant is not present in population databases (gnomAD no frequency). This sequence change affects a donor splice site in intron 11 of the MME gene. It is expected to disrupt RNA splicing. Variants that disrupt the donor or acceptor splice site typically lead to a loss of protein function (PMID: 16199547), and loss-of-function variants in MME are known to be pathogenic (PMID: 26991897).

Literature cited by the submitters: PubMed 16199547; PubMed 26991897.